The following is an entry in ClinVar:

ClinVar aggregate classification (germline): Pathogenic. Review status: criteria provided, multiple submitters, no conflicts (2 of 4 stars). 5 submissions from 5 submitters: Pathogenic (3). 2 of the submissions do not count toward it. Last evaluated 2025-03-06.

Conditions:
Inborn genetic diseases. Identifiers: MedGen C0950123, MeSH D030342.
Timothy syndrome (TS). Also called: LONG QT SYNDROME WITH SYNDACTYLY. Identifiers: Orphanet 65283, MedGen C1832916, MeSH C536962, MONDO:0010979, OMIM 601005.
Cardiovascular phenotype. Identifiers: MedGen CN230736.

Submissions (5):

Victorian Clinical Genetics Services, Murdoch Childrens Research Institute
Classification: Pathogenic for Timothy syndrome. Last evaluated: 2025-03-06. Review status: criteria provided, single submitter. Criteria: ACMG Guidelines, 2015. Collection method: clinical testing. Allele origin: germline. Affected: yes.
Comment: This variant is classified as Pathogenic. Evidence in support of pathogenic classification: Variant is absent from gnomAD (v2, v3 and v4); This variant has strong previous evidence of pathogenicity in unrelated individuals. This variant has been classified once as pathogenic by a clinical laboratory in ClinVar. This variant has also been reported to be de novo in two children with diagnosed or suspected Timothy syndrome (PMIDs: 25633834, 25260352); Another missense variant comparable to the one identified in this case has limited previous evidence for pathogenicity. Missense variant predicted to be damaging by in silico tool(s) or highly conserved with a major amino acid change. Additional information: Variant is predicted to result in a missense amino acid change from isoleucine to threonine; This variant is heterozygous; This gene is associated with autosomal dominant disease; This variant has moderate functional evidence supporting abnormal protein function. Patch clamp studies show this variant impacts channel function. However, patch clamp assays have been shown to be unreliable, therefore results from these studies are used with caution during variant classification (PMIDs: 25260352, 25633834); Variant is located in the annotated ion transport domain (NCBI); Loss of function and gain of function are known mechanisms of disease in this gene. Loss-of-function variants are associated with neurodevelopmental disorder with hypotonia, language delay, and skeletal defects with or without seizures (MIM#620029) (PMID: 34163037). Gain-of-function missense variants result in loss of channel inactivation and increased current, and are associated with long QT syndrome 8 (MIM#618447) and Timothy syndrome (MIM#601005, PMID: 25260352); Variants in this gene are known to have variable expressivity. Parents with the same variant as their affected child have been observed to have a less severe phenotype (PMID: 34163037); Inheritance information for this variant is not currently available in this individual.

Molecular Diagnostic Laboratory for Inherited Cardiovascular Disease, Montreal Heart Institute
Classification: Pathogenic for Cardiovascular phenotype. Last evaluated: 2025-02-24. Review status: criteria provided, single submitter. Criteria: ACMG Guidelines, 2015. Collection method: clinical testing. Allele origin: germline. Affected: yes.
Comment: PS3, PM2, PM5, PM6, PS4_supp, PP3

Ambry Genetics
Classification: Pathogenic for Inborn genetic diseases. Last evaluated: 2013-09-18. Review status: criteria provided, single submitter. Criteria: Ambry Autosomal Dominant and X-Linked criteria (10/2015). Collection method: clinical testing. Allele origin: germline. Observed: 1 variant allele.

OMIM
Classification: Pathogenic for TIMOTHY SYNDROME. Last evaluated: 2022-09-29. Review status: no assertion criteria provided. Collection method: literature only. Allele origin: germline. Not counted in ClinVar's aggregate classification.

GeneReviews
No classification provided. Condition: Timothy syndrome. Review status: no classification provided. Collection method: literature only. Allele origin: germline. Not counted in ClinVar's aggregate classification.
Comment: Nonsyndromic severe QT prolongation

Literature cited by the submitters: PubMed 25633834 (cited by Victorian Clinical Genetics Services, Murdoch Childrens Research Institute and GeneReviews); PubMed 25260352 (cited by Victorian Clinical Genetics Services, Murdoch Childrens Research Institute and OMIM); PubMed 34163037 (cited by Victorian Clinical Genetics Services, Murdoch Childrens Research Institute); NCBI Bookshelf NBK1403 (cited by GeneReviews).

NM_000719.7(CACNA1C):c.3497T>C (p.Ile1166Thr)

Gene: CACNA1C (calcium voltage-gated channel subunit alpha1 C; plus strand). Cytogenetic location: 12p13.33.
Variant type: single nucleotide variant.
Coding change: c.3497T>C on transcript NM_000719.7 (MANE Select); coding-DNA position 3497, T replaced by C.
Protein change: p.Ile1166Thr; replaces isoleucine 1166 with threonine.
Molecular consequence: missense variant.
Genome position (GRCh38, 1-based): chr12:2,608,651, T>C. VCF-style: chr12-2608651-T-C. GRCh37 (hg19) VCF-style: chr12-2717817-T-C.
Other names: c.3557T>C, p.Ile1186Thr (NM_001129827.2, NM_001129832.2, NM_199460.4); c.3497T>C, p.Ile1166Thr (NM_001129829.2, NM_001129830.3, NM_001129831.2 and 15 more transcripts); c.3488T>C, p.Ile1163Thr (NM_001129844.2); short protein forms I1166T, I1186T, I1163T.
Identifiers: ClinVar variation 208682 (VCV000208682.10), dbSNP rs797044881, ClinGen allele CA204669.